The following is an entry in ClinVar:

ClinVar aggregate classification (germline): Likely benign. Review status: criteria provided, single submitter (1 of 4 stars). 2 submissions from 2 submitters: Likely benign (1). 1 of the submissions does not count toward it. Last evaluated 2020-11-10.

Conditions:
ARID1A-related disorder. Also called: ARID1A-related condition.

Allele frequency attached by ClinVar (database versions not stated): gnomAD exomes 0.00004 and 0.00009; ExAC 0.00005; gnomAD 0.00009; TOPMed 0.00015; 1000 Genomes Project 30x 0.00016; 1000 Genomes Project 0.00020.
gnomAD v4.1: 132 of 1,549,864 alleles (0.0085%); highest among the groups gnomAD compares: African/African-American, 0.023%; no homozygotes.

Submissions (2):

GeneDx
Classification: Likely benign. Last evaluated: 2020-11-10. Review status: criteria provided, single submitter. Criteria: GeneDx Variant Classification Process June 2021. Collection method: clinical testing. Allele origin: germline. Affected: yes.

PreventionGenetics, part of Exact Sciences
Classification: Likely benign for ARID1A-related condition. Last evaluated: 2022-04-30. Review status: no assertion criteria provided. Collection method: clinical testing. Allele origin: germline. Not counted in ClinVar's aggregate classification.
Comment: This variant is classified as likely benign based on ACMG/AMP sequence variant interpretation guidelines (Richards et al. 2015 PMID: 25741868, with internal and published modifications).

NM_006015.6(ARID1A):c.*5C>T

Gene: ARID1A (AT-rich interaction domain 1A; plus strand). Cytogenetic location: 1p36.11.
Variant type: single nucleotide variant.
Coding change: c.*5C>T on transcript NM_006015.6 (MANE Select); 5 bases downstream of the stop codon, C replaced by T.
Molecular consequence: 3 prime UTR variant.
Genome position (GRCh38, 1-based): chr1:26,780,761, C>T. VCF-style: chr1-26780761-C-T. GRCh37 (hg19) VCF-style: chr1-27107252-C-T.
Other names: c.*5C>T (NM_139135.4, NM_006015.4).
Identifiers: ClinVar variation 1192736 (VCV001192736.4), dbSNP rs201289176, ClinGen allele CA707913.
Genomic context (GRCh38, chr1:26,780,761, plus strand): 5'-ACTCATTGGTTTCACAAGTCATTTGTGATGTACTGTTTTTGATTGGCCAGTCATGACAGC[C>T]GTGGGACACCTCCCCCCCCCGTGTGTGTGTGCGTGTGTGGAGAACTTAGAAACTGACTGT-3'